The following is an entry in ClinVar:

ClinVar aggregate classification (germline): Likely benign. Review status: criteria provided, multiple submitters, no conflicts (2 of 4 stars). 2 submissions from 2 submitters: Likely benign (2). Last evaluated 2024-07-01.

Submissions (2):

CeGaT Center for Human Genetics Tuebingen
Classification: Likely benign. Last evaluated: 2024-07-01. Review status: criteria provided, single submitter. Criteria: CeGaT Center For Human Genetics Tuebingen Variant Classification Criteria Version 2. Collection method: clinical testing. Allele origin: germline. Affected: yes. Observed: 1 variant allele.
Comment: CEL: PM2:Supporting, BP4, BP7

Blueprint Genetics
Classification: Likely benign. Last evaluated: 2023-09-12. Review status: criteria provided, single submitter. Criteria: ACMG Guidelines, 2015. Collection method: clinical testing. Allele origin: germline.

NM_001807.6(CEL):c.2088T>G (p.Gly696=)

Gene: CEL (carboxyl ester lipase; plus strand). Cytogenetic location: 9q34.13.
Variant type: single nucleotide variant.
Coding change: c.2088T>G on transcript NM_001807.6 (MANE Select); coding-DNA position 2088, T replaced by G.
Protein change: p.Gly696=; no amino-acid change (glycine 696 retained).
Molecular consequence: synonymous variant.
Genome position (GRCh38, 1-based): chr9:133,071,590, T>G. VCF-style: chr9-133071590-T-G. GRCh37 (hg19) VCF-style: chr9-135946977-T-G.
Identifiers: ClinVar variation 3257275 (VCV003257275.18).